The following is an entry in ClinVar:

NM_000368.5(TSC1):c.811T>C (p.Tyr271His)

Gene: TSC1 (TSC complex subunit 1; minus strand). Cytogenetic location: 9q34.13.
Variant type: single nucleotide variant.
Coding change: c.811T>C on transcript NM_000368.5 (MANE Select); coding-DNA position 811, T replaced by C.
Protein change: p.Tyr271His; replaces tyrosine 271 with histidine.
Molecular consequence: missense variant. On other transcripts: 5 prime UTR variant (5), non-coding transcript variant (5).
Genome position (GRCh38, 1-based): chr9:132,912,384, A>G on the plus strand (T>C on the coding strand, the complement: TSC1 is on the minus strand). VCF-style: chr9-132912384-A-G. GRCh37 (hg19) VCF-style: chr9-135787771-A-G.
Other names: c.448T>C, p.Tyr150His (NM_001406615.1, NM_001406616.1, NM_001406617.1 and 10 more transcripts); c.811T>C, p.Tyr271His (NM_001162426.2, NM_001406592.1, NM_001406593.1 and 16 more transcripts); c.658T>C, p.Tyr220His (NM_001162427.2, NM_001406610.1, NM_001406611.1 and 2 more transcripts); c.-141T>C (NM_001406626.1, NM_001406627.1, NM_001406628.1); c.-283T>C (NM_001406629.1, NM_001406630.1); short protein forms Y220H, Y271H, Y150H.
Identifiers: ClinVar variation 2801632 (VCV002801632.3), dbSNP rs2132001611, ClinGen allele CA375369433.

ClinVar aggregate classification (germline): Uncertain significance (1 of 4 stars; one submission).

Conditions:
Tuberous sclerosis 1 (TSC1). Identifiers: Orphanet 805, MedGen C1854465, MONDO:0008612, OMIM 191100.

Submission:

Labcorp Genetics (formerly Invitae), Labcorp
Classification: Uncertain significance for Tuberous sclerosis 1. Last evaluated: 2023-06-21. Review status: criteria provided, single submitter. Criteria: Invitae Variant Classification Sherloc (09022015). Collection method: clinical testing. Allele origin: germline.
Comment: This variant is not present in population databases (gnomAD no frequency). This variant has not been reported in the literature in individuals affected with TSC1-related conditions. Advanced modeling of protein sequence and biophysical properties (such as structural, functional, and spatial information, amino acid conservation, physicochemical variation, residue mobility, and thermodynamic stability) performed at Invitae indicates that this missense variant is not expected to disrupt TSC1 protein function. In summary, the available evidence is currently insufficient to determine the role of this variant in disease. Therefore, it has been classified as a Variant of Uncertain Significance. This sequence change replaces tyrosine, which is neutral and polar, with histidine, which is basic and polar, at codon 271 of the TSC1 protein (p.Tyr271His).